The following is an entry in ClinVar:

ClinVar aggregate classification (germline): Conflicting classifications of pathogenicity. Review status: criteria provided, conflicting classifications (1 of 4 stars). 5 submissions from 5 submitters: Uncertain significance (4); Likely benign (1). Last evaluated 2025-12-19.

Conditions:
Ichthyosis linearis circumflexa. Identifiers: MedGen C0265962, MONDO:0043106, HP:0025810.
Netherton syndrome (NETH). Also called: NETHERTON DISEASE; ERYTHRODERMA, ICHTHYOSIFORM, WITH HYPOTRICHOSIS AND HYPER-IgE; COMEL-NETHERTON SYNDROME. Identifiers: Orphanet 634, MedGen C5574950, MONDO:0009735, OMIM 256500.

Submissions (5):

Labcorp Genetics (formerly Invitae), Labcorp
Classification: Likely benign for Ichthyosis linearis circumflexa. Last evaluated: 2025-12-19. Review status: criteria provided, single submitter. Criteria: Invitae Variant Classification Sherloc (09022015). Collection method: clinical testing. Allele origin: germline.

Genomic Medicine Center of Excellence, King Faisal Specialist Hospital and Research Centre
Classification: Uncertain significance for Netherton syndrome. Last evaluated: 2025-09-10. Review status: criteria provided, single submitter. Criteria: ACMG Guidelines, 2015. Collection method: clinical testing. Allele origin: germline.

CeGaT Center for Human Genetics Tuebingen
Classification: Uncertain significance. Last evaluated: 2025-08-01. Review status: criteria provided, single submitter. Criteria: CeGaT Center For Human Genetics Tuebingen Variant Classification Criteria Version 2. Collection method: clinical testing. Allele origin: germline. Affected: yes. Observed: 1 variant allele.
Comment: SPINK5: PM2

Blueprint Genetics
Classification: Uncertain significance. Last evaluated: 2023-06-16. Review status: criteria provided, single submitter. Criteria: ACMG Guidelines, 2015. Collection method: clinical testing. Allele origin: germline.

GeneDx
Classification: Uncertain significance. Last evaluated: 2017-11-16. Review status: criteria provided, single submitter. Criteria: GeneDx Variant Classification (06012015). Collection method: clinical testing. Allele origin: germline. Affected: yes.
Comment: The c.2749delT variant in the SPINK5 gene has not been reported previously as a pathogenic variant, nor as a benign variant, to our knowledge. The c.2749delT variant eliminates the normal Stop codon, replaces it with a Lysine residue, and adds aberrant amino acids to the C-terminal end of the SPINK5 protein. The new reading frame does not encounter a stop codon in the rest of the current reference sequence, so the protein change of this variant is denoted p.Ter917LysextTer?, with a question mark to show that the location of transcription termination is not known. The c.2749delT variant is observed in 11/100,868 (0.01%) alleles from individuals of non-Finnish European background in large population cohorts (Lek et al., 2016). We interpret c.2749delT as a variant of uncertain significance.

NM_006846.4(SPINK5):c.2739+10del

Gene: SPINK5 (serine peptidase inhibitor Kazal type 5; plus strand). Cytogenetic location: 5q32.
Variant type: Deletion.
Coding change: c.2739+10del on transcript NM_006846.4 (MANE Select); 10 bases into the intron after coding-DNA position 2739, one base deleted (T; older notation c.2739+10delT).
Molecular consequence: intron variant. On other transcripts: frameshift variant (1), stop lost (1).
Genome position (GRCh38, 1-based): chr5:148,124,847, T deleted; the last of 2 consecutive T bases (chr5:148,124,846-148,124,847); deleting either gives the same sequence. VCF-style (leftmost placement, unchanged base first): chr5-148124845-AT-A. GRCh37 (hg19) VCF-style: chr5-147504408-AT-A.
Other names: c.2749del, p.Ter917LysextTer? (NM_001127699.2); c.2739+10del (NM_001127698.2); c.2739+10delT (NM_006846.3).
Identifiers: ClinVar variation 503813 (VCV000503813.23), dbSNP rs769519367, ClinGen allele CA3496093.